The following is an entry in ClinVar:

NM_007294.4(BRCA1):c.4346del (p.Thr1449fs)

Gene: BRCA1 (BRCA1 DNA repair associated; minus strand). Cytogenetic location: 17q21.31.
Variant type: Deletion.
Coding change: c.4346del on transcript NM_007294.4 (MANE Select); coding-DNA position 4346, one base deleted (C; older notation c.4346delC).
Protein change: p.Thr1449fs; shifts the reading frame from threonine 1449.
Molecular consequence: frameshift variant.
Genome position (GRCh38, 1-based): chr17:43,082,415, G deleted on the plus strand (C on the coding strand, the reverse complement: BRCA1 is on the minus strand). VCF-style (leftmost placement, unchanged base first): chr17-43082414-TG-T. GRCh37 (hg19) VCF-style: chr17-41234431-TG-T.
Other names: c.4202del, p.Thr1401fs (NM_001407838.1, NM_001407839.1, NM_001407841.1 and 23 more transcripts); c.4199del, p.Thr1400fs (NM_001407847.1, NM_001407848.1, NM_001407849.1); c.4133del, p.Thr1378fs (NM_001407853.1, NM_001407894.1, NM_001407895.1 and 12 more transcripts); c.4346del, p.Thr1449fs (NM_001407854.1, NM_001407858.1, NM_001407859.1 and 23 more transcripts); c.4343del, p.Thr1448fs (NM_001407860.1, NM_001407861.1, NM_001407587.1 and 21 more transcripts); c.4145del, p.Thr1382fs (NM_001407862.1); c.4223del, p.Thr1408fs (NM_001407863.1, NM_001407919.1, NM_001407937.1 and 13 more transcripts); c.4142del, p.Thr1381fs (NM_001407874.1, NM_001407875.1); and 51 more; short protein forms T1153fs, T1280fs, T1321fs, T1322fs, T1336fs, T1337fs, T1338fs, T1359fs.
Identifiers: ClinVar variation 4813032 (VCV004813032.1).
Genomic context (GRCh38, chr17:43,082,414, plus strand): 5'-GAAGGAAAGAATTTTGCTTAAGATATCAGTGTTTGGCCAACAATACACACCTTTTTCTGA[TG>T]TGCTTTGTTCTGGATTTCGCAGGTCCTCAAGGGCAGAAGAGTCACTTATGATGGAAGGGT-3'

ClinVar aggregate classification (germline): Pathogenic (1 of 4 stars; one submission).

Conditions:
Breast-ovarian cancer, familial, susceptibility to, 1 (BROVCA1). Also called: OVARIAN CANCER, SUSCEPTIBILITY TO; BRCA1 Hereditary Breast and Ovarian Cancer. Identifiers: Orphanet 145, MedGen C2676676, MONDO:0011450, OMIM 604370. Disease mechanism: loss of function.

Submission:

Myriad Genetics, Inc.
Classification: Pathogenic for Breast-ovarian cancer, familial, susceptibility to, 1. Last evaluated: 2025-12-30. Review status: criteria provided, single submitter. Criteria: Myriad Autosomal Dominant, Autosomal Recessive and X-Linked Classification Criteria (2023). Collection method: clinical testing. Allele origin: unknown.
Comment: This variant is considered pathogenic. This variant creates a frameshift predicted to result in premature protein truncation.